The following is an entry in ClinVar:

ClinVar aggregate classification (germline): Likely benign. Review status: criteria provided, single submitter (1 of 4 stars). 2 submissions from 2 submitters: Likely benign (1). 1 of the submissions does not count toward it. Last evaluated 2023-07-05.

Conditions:
Inborn genetic diseases. Identifiers: MedGen C0950123, MeSH D030342.
IRF2BPL-related disorder. Also called: IRF2BPL-related condition. Identifiers: MedGen CN381093.

Allele frequency attached by ClinVar (database versions not stated): gnomAD exomes 0.00002; ExAC 0.00006; ESP Exome Variant Server 0.00015; gnomAD 0.00023; TOPMed 0.00029.

Submissions (2):

Ambry Genetics
Classification: Likely benign for Inborn genetic diseases. Last evaluated: 2023-07-05. Review status: criteria provided, single submitter. Criteria: Ambry Variant Classification Scheme 2023. Collection method: clinical testing. Allele origin: germline.

PreventionGenetics, part of Exact Sciences
Classification: Likely benign for IRF2BPL-related condition. Last evaluated: 2024-02-16. Review status: no assertion criteria provided. Collection method: clinical testing. Allele origin: germline. Not counted in ClinVar's aggregate classification.
Comment: This variant is classified as likely benign based on ACMG/AMP sequence variant interpretation guidelines (Richards et al. 2015 PMID: 25741868, with internal and published modifications).

NM_024496.4(IRF2BPL):c.532G>A (p.Val178Met)

Gene: IRF2BPL (interferon regulatory factor 2 binding protein like; minus strand). Cytogenetic location: 14q24.3.
Variant type: single nucleotide variant.
Coding change: c.532G>A on transcript NM_024496.4 (MANE Select); coding-DNA position 532, G replaced by A.
Protein change: p.Val178Met; replaces valine 178 with methionine.
Molecular consequence: missense variant.
Genome position (GRCh38, 1-based): chr14:77,027,261, C>T on the plus strand (G>A on the coding strand, the complement: IRF2BPL is on the minus strand). VCF-style: chr14-77027261-C-T. GRCh37 (hg19) VCF-style: chr14-77493604-C-T.
Other names: c.532G>A (NM_024496.3); short protein forms V178M.
Identifiers: ClinVar variation 2591838 (VCV002591838.4), dbSNP rs150827485, ClinGen allele CA7283922.